The following is an entry in ClinVar:

ClinVar aggregate classification (germline): Likely benign (1 of 4 stars; one submission).

Submission:

CeGaT Center for Human Genetics Tuebingen
Classification: Likely benign. Last evaluated: 2026-06-01. Review status: criteria provided, single submitter. Criteria: CeGaT Center For Human Genetics Tuebingen Variant Classification Criteria Version 2. Collection method: clinical testing. Allele origin: germline. Affected: yes. Observed: 1 variant allele.
Comment: EARS2: PM2:Supporting, BP4, BP7

NM_001083614.2(EARS2):c.765C>T (p.Ala255=)

Gene: EARS2 (glutamyl-tRNA synthetase 2, mitochondrial; minus strand). Cytogenetic location: 16p12.2.
Variant type: single nucleotide variant.
Coding change: c.765C>T on transcript NM_001083614.2 (MANE Select); coding-DNA position 765, C replaced by T.
Protein change: p.Ala255=; no amino-acid change (alanine 255 retained).
Molecular consequence: synonymous variant. On other transcripts: non-coding transcript variant (1).
Genome position (GRCh38, 1-based): chr16:23,535,081, G>A on the plus strand (C>T on the coding strand, the complement: EARS2 is on the minus strand). VCF-style: chr16-23535081-G-A. GRCh37 (hg19) VCF-style: chr16-23546402-G-A.
Other names: c.765C>T, p.Ala255= (NM_001308211.1).
Identifiers: ClinVar variation 4875316 (VCV004875316.2).